The following is an entry in ClinVar:

ClinVar aggregate classification (germline): Uncertain significance (1 of 4 stars; one submission).

Allele frequency attached by ClinVar (database versions not stated): gnomAD exomes below 0.00001.
gnomAD v4.1: 5 of 1,588,620 alleles (0.00031%); highest among the groups gnomAD compares: Non-Finnish European, 0.00034%; no homozygotes.

Submission:

Labcorp Genetics (formerly Invitae), Labcorp
Classification: Uncertain significance. Last evaluated: 2022-06-23. Review status: criteria provided, single submitter. Criteria: Invitae Variant Classification Sherloc (09022015). Collection method: clinical testing. Allele origin: germline.
Comment: In summary, the available evidence is currently insufficient to determine the role of this variant in disease. Therefore, it has been classified as a Variant of Uncertain Significance. Algorithms developed to predict the effect of sequence changes on RNA splicing suggest that this variant may disrupt the consensus splice site. This variant has not been reported in the literature in individuals affected with GALNT2-related conditions. This variant is not present in population databases (gnomAD no frequency). This sequence change falls in intron 6 of the GALNT2 gene. It does not directly change the encoded amino acid sequence of the GALNT2 protein.

NM_004481.5(GALNT2):c.608-14A>G

Gene: GALNT2 (polypeptide N-acetylgalactosaminyltransferase 2; plus strand). Cytogenetic location: 1q42.13.
Variant type: single nucleotide variant.
Coding change: c.608-14A>G on transcript NM_004481.5 (MANE Select); 14 bases into the intron before coding-DNA position 608, A replaced by G.
Molecular consequence: intron variant.
Genome position (GRCh38, 1-based): chr1:230,243,292, A>G. VCF-style: chr1-230243292-A-G. GRCh37 (hg19) VCF-style: chr1-230379038-A-G.
Other names: c.494-14A>G (NM_001291866.2).
Identifiers: ClinVar variation 1970501 (VCV001970501.5), dbSNP rs1572128951, ClinGen allele CA2580062292.
Genomic context (GRCh38, chr1:230,243,292, plus strand): 5'-TCGCCGGTTGGCATGGGGTTGTGCTGGCCCTGTGGCTTCTCTCTCCTGACGTGCTTTCCA[A>G]CTCGCCTCTGCAGGCCTCATGCGCTCACGGGTTCGGGGGGCCGATGCTGCCCAAGCCAAG-3'